The following is an entry in ClinVar:

ClinVar aggregate classification (germline): Conflicting classifications of pathogenicity. Review status: criteria provided, conflicting classifications (1 of 4 stars). 8 submissions from 8 submitters: Uncertain significance (1); Benign (2); Likely benign (4). 1 of the submissions does not count toward it. Last evaluated 2026-03-01.

Conditions:
Inborn genetic diseases. Identifiers: MedGen C0950123, MeSH D030342.
Kleefstra syndrome 1 (KLEFS1). Identifiers: Orphanet 261494, MedGen C0795833, MONDO:0027407, OMIM 610253.
Intellectual disability. Also called: Intellectual functioning disability; intellectual disabilities; Intellectual developmental disorder. Identifiers: MedGen C3714756, MeSH D008607, MONDO:0001071, HP:0001249.

Allele frequency attached by ClinVar (database versions not stated): gnomAD exomes 0.00011 and 0.00015; gnomAD 0.00013 and 0.00014; TOPMed 0.00016; ExAC 0.00018; ESP Exome Variant Server 0.00023.
gnomAD v4.1: 231 of 1,614,028 alleles (0.014%); highest among the groups gnomAD compares: Non-Finnish European, 0.017%; no homozygotes.

Submissions (8):

CeGaT Center for Human Genetics Tuebingen
Classification: Likely benign. Last evaluated: 2026-03-01. Review status: criteria provided, single submitter. Criteria: CeGaT Center For Human Genetics Tuebingen Variant Classification Criteria Version 2. Collection method: clinical testing. Allele origin: germline. Affected: yes. Observed: 6 variant alleles.
Comment: EHMT1: BP4, BS2

Labcorp Genetics (formerly Invitae), Labcorp
Classification: Benign for Kleefstra syndrome 1. Last evaluated: 2026-01-01. Review status: criteria provided, single submitter. Criteria: Invitae Variant Classification Sherloc (09022015). Collection method: clinical testing. Allele origin: germline.

Laboratory of Genetics, Children's Clinical University Hospital Latvia
Classification: Likely benign. Last evaluated: 2025-02-16. Review status: criteria provided, single submitter. Criteria: ACMG Guidelines, 2015. Collection method: clinical testing. Allele origin: germline. Affected: yes.

Ambry Genetics
Classification: Likely benign for Inborn genetic diseases. Last evaluated: 2022-12-19. Review status: criteria provided, single submitter. Criteria: Ambry Variant Classification Scheme 2023. Collection method: clinical testing. Allele origin: germline.

GeneDx
Classification: Likely benign. Last evaluated: 2019-10-11. Review status: criteria provided, single submitter. Criteria: GeneDx Variant Classification Process June 2021. Collection method: clinical testing. Allele origin: germline. Affected: yes.

Genetic Services Laboratory, University of Chicago
Classification: Benign. Last evaluated: 2017-05-25. Review status: criteria provided, single submitter. Criteria: ACMG Guidelines, 2015. Collection method: clinical testing. Allele origin: germline. Affected: no.

Eurofins Ntd Llc (ga)
Classification: Uncertain significance. Last evaluated: 2016-02-29. Review status: criteria provided, single submitter. Criteria: EGL Classification Definitions 2015. Collection method: clinical testing. Allele origin: germline. Observed: 1 variant allele, 1 heterozygote.

Centre de Biologie Pathologie Génétique, Centre Hospitalier Universitaire de Lille
Classification: Uncertain significance for Intellectual disability. Last evaluated: 2019-01-01. Review status: no assertion criteria provided. Collection method: clinical testing. Allele origin: unknown. Affected: yes. Not counted in ClinVar's aggregate classification.

NM_024757.5(EHMT1):c.1135A>G (p.Lys379Glu)

Gene: EHMT1 (euchromatic histone lysine methyltransferase 1; plus strand). Cytogenetic location: 9q34.3.
Variant type: single nucleotide variant.
Coding change: c.1135A>G on transcript NM_024757.5 (MANE Select); coding-DNA position 1135, A replaced by G.
Protein change: p.Lys379Glu; replaces lysine 379 with glutamic acid.
Molecular consequence: missense variant.
Genome position (GRCh38, 1-based): chr9:137,744,055, A>G. VCF-style: chr9-137744055-A-G. GRCh37 (hg19) VCF-style: chr9-140638507-A-G.
Other names: c.1135A>G, p.Lys379Glu (NM_001145527.2, NM_001354611.2); c.1042A>G, p.Lys348Glu (NM_001354259.2, NM_001354612.2); c.1114A>G, p.Lys372Glu (NM_001354263.2); short protein forms K379E, K348E, K372E.
Identifiers: ClinVar variation 286417 (VCV000286417.55), dbSNP rs146711478, ClinGen allele CA5374504.